The following is an entry in ClinVar:

NM_001792.5(CDH2):c.2258G>A (p.Arg753His)

Gene: CDH2 (cadherin 2; minus strand). Cytogenetic location: 18q12.1.
Variant type: single nucleotide variant.
Coding change: c.2258G>A on transcript NM_001792.5 (MANE Select); coding-DNA position 2258, G replaced by A.
Protein change: p.Arg753His; replaces arginine 753 with histidine.
Molecular consequence: missense variant.
Genome position (GRCh38, 1-based): chr18:27,983,035, C>T on the plus strand (G>A on the coding strand, the complement: CDH2 is on the minus strand). VCF-style: chr18-27983035-C-T. GRCh37 (hg19) VCF-style: chr18-25562999-C-T.
Other names: c.2165G>A, p.Arg722His (NM_001308176.2); short protein forms R753H, R722H.
Identifiers: ClinVar variation 1788549 (VCV001788549.5), dbSNP rs747560192, ClinGen allele CA8923187.
Genomic context (GRCh38, chr18:27,983,035, plus strand): 5'-TATTTTAAAATATTATCTCTTACATCATCTTCTGGATCAATTAAAAGTTGTTTGGCCTGG[C>T]GTTCTTTATCCCGGCGTTTCATCCATACCACAAACATCAGCACAAGGACTAGGTAGAAAA-3'
Protein context (NP_001783.2, residues 743-763): VVWMKRRDKE[Arg753His]QAKQLLIDPE

ClinVar aggregate classification (germline): Uncertain significance. Review status: criteria provided, multiple submitters, no conflicts (2 of 4 stars). 2 submissions from 2 submitters: Uncertain significance (2). Last evaluated 2025-10-29.

Conditions:
Inborn genetic diseases. Identifiers: MedGen C0950123, MeSH D030342.

Allele frequency attached by ClinVar (database versions not stated): gnomAD 0.00001; TOPMed below 0.00001; ExAC 0.00001.
gnomAD v4.1: 3 of 1,612,284 alleles (0.00019%); highest among the groups gnomAD compares: South Asian, 0.0011%; no homozygotes.

Submissions (2):

Labcorp Genetics (formerly Invitae), Labcorp
Classification: Uncertain significance. Last evaluated: 2025-10-29. Review status: criteria provided, single submitter. Criteria: Invitae Variant Classification Sherloc (09022015). Collection method: clinical testing. Allele origin: germline.
Comment: This sequence change replaces arginine, which is basic and polar, with histidine, which is basic and polar, at codon 753 of the CDH2 protein (p.Arg753His). This variant is present in population databases (rs747560192, gnomAD 0.0009%). This variant has not been reported in the literature in individuals affected with CDH2-related conditions. ClinVar contains an entry for this variant (Variation ID: 1788549). An algorithm developed to predict the effect of missense changes on protein structure and function (PolyPhen-2) suggests that this variant is likely to be disruptive. In summary, the available evidence is currently insufficient to determine the role of this variant in disease. Therefore, it has been classified as a Variant of Uncertain Significance.

Ambry Genetics
Classification: Uncertain significance for Inborn genetic diseases. Last evaluated: 2022-09-28. Review status: criteria provided, single submitter. Criteria: Ambry Variant Classification Scheme 2023. Collection method: clinical testing. Allele origin: germline.
Comment: The p.R753H variant (also known as c.2258G>A), located in coding exon 14 of the CDH2 gene, results from a G to A substitution at nucleotide position 2258. The arginine at codon 753 is replaced by histidine, an amino acid with highly similar properties. This amino acid position is conserved. In addition, the in silico prediction for this alteration is inconclusive. Since supporting evidence is limited at this time, the clinical significance of this alteration remains unclear.